The following is an entry in ClinVar:

ClinVar aggregate classification (germline): Likely pathogenic (1 of 4 stars; one submission).

Conditions:
Autosomal recessive Alport syndrome (ATS2). Also called: Alport syndrome type 2; COL4A4 Alport Syndrome and Thin Basement Membrane Nephropathy; ALPORT SYNDROME 2, AUTOSOMAL RECESSIVE; COL4A3-Related Nephropathy. Identifiers: Orphanet 63, Orphanet 88919, MedGen C4746745, MONDO:0008762, OMIM 203780.

Submission:

Myriad Genetics, Inc.
Classification: Likely pathogenic for Autosomal recessive Alport syndrome. Last evaluated: 2022-01-02. Review status: criteria provided, single submitter. Criteria: Myriad Women's Health Autosomal Recessive and X-Linked Classification Criteria (2021). Collection method: clinical testing. Allele origin: unknown.
Comment: NM_000091.4(COL4A3):c.4634_4635delTA(I1545Kfs*7) is expected to be pathogenic in the context of COL4A3-related Alport syndrome. This variant is predicted to lead to an abnormal or absent protein product due to the creation of a premature termination codon in COL4A3, a gene where loss-of-function variants are known to be pathogenic. Please note: this variant was assessed in the context of healthy population screening.

NM_000091.5(COL4A3):c.4634_4635del (p.Ile1545fs)

Genes: COL4A3 (collagen type IV alpha 3 chain; plus strand), MFF-DT (MFF divergent transcript; minus strand). Cytogenetic location: 2q36.3.
Variant type: Microsatellite.
Coding change: c.4634_4635del on transcript NM_000091.5 (MANE Select); coding-DNA positions 4634 to 4635, 2 bases deleted (TA; older notation c.4634_4635delTA).
Protein change: p.Ile1545fs; shifts the reading frame from isoleucine 1545.
Molecular consequence: frameshift variant.
Genome position (GRCh38, 1-based): chr2:227,309,070-227,309,071, TA deleted; deleting any 2 consecutive bases within chr2:227,309,066-227,309,071 gives the same sequence; the c. name uses the placement nearest the transcript's 3' end. VCF-style (leftmost placement, unchanged base first): chr2-227309065-TTA-T. GRCh37 (hg19) VCF-style: chr2-228173781-TTA-T.
Other names: short protein forms I1545fs.
Identifiers: ClinVar variation 1726838 (VCV001726838.2), dbSNP rs2469937855, ClinGen allele CA2580616727.